The following is an entry in ClinVar:

NM_001382430.1(AKT1):c.662A>G (p.Asp221Gly)

Gene: AKT1 (AKT serine/threonine kinase 1; minus strand). Cytogenetic location: 14q32.33.
Variant type: single nucleotide variant.
Coding change: c.662A>G on transcript NM_001382430.1 (MANE Select); coding-DNA position 662, A replaced by G.
Protein change: p.Asp221Gly; replaces aspartic acid 221 with glycine.
Molecular consequence: missense variant.
Genome position (GRCh38, 1-based): chr14:104,773,952, T>C on the plus strand (A>G on the coding strand, the complement: AKT1 is on the minus strand). VCF-style: chr14-104773952-T-C. GRCh37 (hg19) VCF-style: chr14-105240289-T-C.
Other names: c.662A>G, p.Asp221Gly (NM_001382431.1, NM_001382432.1, NM_001382433.1 and 3 more transcripts); short protein forms D221G.
Identifiers: ClinVar variation 2005660 (VCV002005660.4), dbSNP rs2140910127, ClinGen allele CA391218876.

ClinVar aggregate classification (germline): Uncertain significance (1 of 4 stars; one submission).

Conditions:
Cowden syndrome 6 (CWS6). Identifiers: Orphanet 201, MedGen C3554519, MONDO:0014048, OMIM 615109.

Submission:

Labcorp Genetics (formerly Invitae), Labcorp
Classification: Uncertain significance for Cowden syndrome 6. Last evaluated: 2022-06-13. Review status: criteria provided, single submitter. Criteria: Invitae Variant Classification Sherloc (09022015). Collection method: clinical testing. Allele origin: germline.
Comment: In summary, the available evidence is currently insufficient to determine the role of this variant in disease. Therefore, it has been classified as a Variant of Uncertain Significance. Algorithms developed to predict the effect of missense changes on protein structure and function are either unavailable or do not agree on the potential impact of this missense change (SIFT: "Tolerated"; PolyPhen-2: "Possibly Damaging"; Align-GVGD: "Class C0"). This variant has not been reported in the literature in individuals affected with AKT1-related conditions. This variant is not present in population databases (gnomAD no frequency). This sequence change replaces aspartic acid, which is acidic and polar, with glycine, which is neutral and non-polar, at codon 221 of the AKT1 protein (p.Asp221Gly).